The following is an entry in ClinVar:

NM_005633.4(SOS1):c.1531A>C (p.Lys511Gln)

Gene: SOS1 (SOS Ras/Rac guanine nucleotide exchange factor 1; minus strand). Cytogenetic location: 2p22.1.
Variant type: single nucleotide variant.
Coding change: c.1531A>C on transcript NM_005633.4 (MANE Select); coding-DNA position 1531, A replaced by C.
Protein change: p.Lys511Gln; replaces lysine 511 with glutamine.
Molecular consequence: missense variant.
Genome position (GRCh38, 1-based): chr2:39,022,897, T>G on the plus strand (A>C on the coding strand, the complement: SOS1 is on the minus strand). VCF-style: chr2-39022897-T-G. GRCh37 (hg19) VCF-style: chr2-39250038-T-G.
Other names: c.1510A>C, p.Lys504Gln (NM_001382394.1); c.1531A>C, p.Lys511Gln (NM_001382395.1); short protein forms K511Q, K504Q.
Identifiers: ClinVar variation 3447302 (VCV003447302.3).

ClinVar aggregate classification (germline): Uncertain significance. Review status: criteria provided, multiple submitters, no conflicts (2 of 4 stars). 2 submissions from 2 submitters: Uncertain significance (2). Last evaluated 2024-12-28.

Conditions:
RASopathy. Also called: rasopathies; Noonan spectrum disorder. Identifiers: Orphanet 536391, MedGen C5555857, MONDO:0021060.
Cardiovascular phenotype. Identifiers: MedGen CN230736.

gnomAD v4.1: 6 of 1,611,464 alleles (0.00037%); highest among the groups gnomAD compares: Non-Finnish European, 0.00051%; no homozygotes.

Submissions (2):

Labcorp Genetics (formerly Invitae), Labcorp
Classification: Uncertain significance for RASopathy. Last evaluated: 2024-12-28. Review status: criteria provided, single submitter. Criteria: Invitae Variant Classification Sherloc (09022015). Collection method: clinical testing. Allele origin: germline.
Comment: This sequence change replaces lysine, which is basic and polar, with glutamine, which is neutral and polar, at codon 511 of the SOS1 protein (p.Lys511Gln). This variant is not present in population databases (gnomAD no frequency). This variant has not been reported in the literature in individuals affected with SOS1-related conditions. Invitae Evidence Modeling of protein sequence and biophysical properties (such as structural, functional, and spatial information, amino acid conservation, physicochemical variation, residue mobility, and thermodynamic stability) has been performed for this missense variant. However, the output from this modeling did not meet the statistical confidence thresholds required to predict the impact of this variant on SOS1 protein function. In summary, the available evidence is currently insufficient to determine the role of this variant in disease. Therefore, it has been classified as a Variant of Uncertain Significance.

Ambry Genetics
Classification: Uncertain significance for Cardiovascular phenotype. Last evaluated: 2024-07-01. Review status: criteria provided, single submitter. Criteria: Ambry Variant Classification Scheme 2023. Collection method: clinical testing. Allele origin: germline.
Comment: The p.K511Q variant (also known as c.1531A>C), located in coding exon 10 of the SOS1 gene, results from an A to C substitution at nucleotide position 1531. The lysine at codon 511 is replaced by glutamine, an amino acid with similar properties. This amino acid position is conserved. In addition, the in silico prediction for this alteration is inconclusive. Based on the available evidence, the clinical significance of this variant remains unclear.